The following is an entry in ClinVar:

ClinVar aggregate classification (germline): Uncertain significance (1 of 4 stars; one submission).

Submission:

GeneDx
Classification: Uncertain significance. Last evaluated: 2019-09-11. Review status: criteria provided, single submitter. Criteria: GeneDx Variant Classification Process June 2021. Collection method: clinical testing. Allele origin: germline. Affected: yes.
Comment: Not observed in large population cohorts (Lek et al., 2016); Frameshift variant predicted to result in protein truncation or nonsense mediated decay in a gene for which loss-of-function is not a known mechanism of disease; Has not been previously published as pathogenic or benign to our knowledge

NM_003718.5(CDK13):c.1021_1028dup (p.Ala344fs)

Gene: CDK13 (cyclin dependent kinase 13; plus strand). Cytogenetic location: 7p14.1.
Variant type: Duplication.
Coding change: c.1021_1028dup on transcript NM_003718.5 (MANE Select); coding-DNA positions 1021 to 1028, 8 bases duplicated (CCCAGCCC; older notation c.1021_1028dupCCCAGCCC).
Protein change: p.Ala344fs; shifts the reading frame from alanine 344.
Molecular consequence: frameshift variant.
Genome position (GRCh38, 1-based): chr7:39,951,662-39,951,669, CCCAGCCC duplicated; duplicating any 8 consecutive bases within chr7:39,951,660-39,951,669 gives the same sequence; the c. name uses the placement nearest the transcript's 3' end. VCF-style (leftmost placement, unchanged base first): chr7-39951659-T-TCCCCCAGC. GRCh37 (hg19) VCF-style: chr7-39991258-T-TCCCCCAGC.
Other names: c.1021_1028dup, p.Ala344Profs (NM_031267.4); short protein forms A344fs.
Identifiers: ClinVar variation 1312067 (VCV001312067.2), dbSNP rs2116069714, ClinGen allele CA2573052868.
Genomic context (GRCh38, chr7:39,951,659, plus strand): 5'-GGAGGCCGGGACGACAGCCCGGTGTCCCACAGGGCCTCTCAGAGCCTGAGGAGCCGCAAG[T>TCCCCCAGC]CCCCCAGCCCGGCAGGAGGTGGCAGCAGCCCCTATTCTCGGCGGCTGCCGCGCTCCCCGA-3'